The following is an entry in ClinVar:

NM_001940.4(ATN1):c.1497G>A (p.Gln499=)

Genes: ATN1 (atrophin 1; plus strand), LOC109461484 (atrophin 1 repeat instability region; plus strand). Cytogenetic location: 12p13.31.
Variant type: single nucleotide variant.
Coding change: c.1497G>A on transcript NM_001940.4 (MANE Select); coding-DNA position 1497, G replaced by A.
Protein change: p.Gln499=; no amino-acid change (glutamine 499 retained).
Molecular consequence: synonymous variant.
Genome position (GRCh38, 1-based): chr12:6,936,764, G>A. VCF-style: chr12-6936764-G-A. GRCh37 (hg19) VCF-style: chr12-7045927-G-A.
Other names: c.1497G>A, p.Gln499= (NM_001007026.2, NM_001424176.1, NM_001424177.1 and 1 more transcripts); c.1494G>A, p.Gln498= (NM_001424179.1, NM_001424180.1).
Identifiers: ClinVar variation 2642648 (VCV002642648.24), dbSNP rs142596770, ClinGen allele CA6420622.

ClinVar aggregate classification (germline): Likely benign (1 of 4 stars; one submission).

Allele frequency attached by ClinVar (database versions not stated): ExAC 0.00003; ESP Exome Variant Server 0.00008; gnomAD exomes 0.00010; gnomAD 0.00012.

Submission:

CeGaT Center for Human Genetics Tuebingen
Classification: Likely benign. Last evaluated: 2022-05-01. Review status: criteria provided, single submitter. Criteria: CeGaT Center For Human Genetics Tuebingen Variant Classification Criteria Version 2. Collection method: clinical testing. Allele origin: germline. Affected: yes. Observed: 1 variant allele.
Comment: ATN1: BP4, BP7